The following is an entry in ClinVar:

ClinVar aggregate classification (germline): Likely pathogenic (1 of 4 stars; one submission).

Conditions:
Finnish congenital nephrotic syndrome (NPHS1). Also called: NEPHROTIC SYNDROME, TYPE 1. Identifiers: Orphanet 839, MedGen C0403399, MONDO:0009732, OMIM 256300.

Submission:

Myriad Genetics, Inc.
Classification: Likely pathogenic for Finnish congenital nephrotic syndrome. Last evaluated: 2022-03-14. Review status: criteria provided, single submitter. Criteria: Myriad Women's Health Autosomal Recessive and X-Linked Classification Criteria (2021). Collection method: clinical testing. Allele origin: unknown.
Comment: NM_004646.3(NPHS1):c.641T>A(L214*) is expected to be pathogenic in the context of nephrotic syndrome, NPHS1-related. This variant is predicted to lead to an abnormal or absent protein product due to the creation of a premature termination codon in NPHS1, a gene where loss-of-function variants are known to be pathogenic. Please note: this variant was assessed in the context of healthy population screening.

NM_004646.4(NPHS1):c.641T>A (p.Leu214Ter)

Gene: NPHS1 (NPHS1 adhesion molecule, nephrin; minus strand). Cytogenetic location: 19q13.12.
Variant type: single nucleotide variant.
Coding change: c.641T>A on transcript NM_004646.4 (MANE Select); coding-DNA position 641, T replaced by A.
Protein change: p.Leu214Ter; replaces leucine 214 with a stop codon.
Molecular consequence: nonsense.
Genome position (GRCh38, 1-based): chr19:35,849,621, A>T on the plus strand (T>A on the coding strand, the complement: NPHS1 is on the minus strand). VCF-style: chr19-35849621-A-T. GRCh37 (hg19) VCF-style: chr19-36340523-A-T.
Other names: short protein forms L214*.
Identifiers: ClinVar variation 1725227 (VCV001725227.2), dbSNP rs1347730847, ClinGen allele CA405408405.